The following is an entry in ClinVar:

ClinVar aggregate classification (germline): Pathogenic (1 of 4 stars; one submission).

Submission:

GeneDx
Classification: Pathogenic. Last evaluated: 2025-07-29. Review status: criteria provided, single submitter. Criteria: GeneDx Variant Classification Process June 2021. Collection method: clinical testing. Allele origin: germline. Affected: yes.
Comment: Nonsense variant predicted to result in protein truncation or nonsense mediated decay in a gene for which loss of function is a known mechanism of disease; Not observed at significant frequency in large population cohorts (gnomAD); This variant is associated with the following publications: (PMID: 37212523)

NM_016333.4(SRRM2):c.1117C>T (p.Arg373Ter)

Gene: SRRM2 (serine/arginine repetitive matrix 2; plus strand). Cytogenetic location: 16p13.3.
Variant type: single nucleotide variant.
Coding change: c.1117C>T on transcript NM_016333.4 (MANE Select); coding-DNA position 1117, C replaced by T.
Protein change: p.Arg373Ter; replaces arginine 373 with a stop codon.
Molecular consequence: nonsense.
Genome position (GRCh38, 1-based): chr16:2,761,645, C>T. VCF-style: chr16-2761645-C-T. GRCh37 (hg19) VCF-style: chr16-2811646-C-T.
Other names: short protein forms R373*.
Identifiers: ClinVar variation 4689842 (VCV004689842.1).